The following is an entry in ClinVar:

NM_017534.6(MYH2):c.2692C>G (p.Gln898Glu)

Genes: MYH2 (myosin heavy chain 2; minus strand), MYHAS (myosin heavy chain gene cluster antisense RNA; plus strand). Cytogenetic location: 17p13.1.
Variant type: single nucleotide variant.
Coding change: c.2692C>G on transcript NM_017534.6 (MANE Select); coding-DNA position 2692, C replaced by G.
Protein change: p.Gln898Glu; replaces glutamine 898 with glutamic acid.
Molecular consequence: missense variant.
Genome position (GRCh38, 1-based): chr17:10,531,638, G>C on the plus strand (C>G on the coding strand, the complement: MYH2 is on the minus strand). VCF-style: chr17-10531638-G-C. GRCh37 (hg19) VCF-style: chr17-10434955-G-C.
Other names: c.2692C>G, p.Gln898Glu (NM_001100112.2); short protein forms Q898E.
Identifiers: ClinVar variation 3699686 (VCV003699686.2).

ClinVar aggregate classification (germline): Uncertain significance (1 of 4 stars; one submission).

Conditions:
Myopathy, proximal, and ophthalmoplegia (CMYO6). Also called: CONGENITAL MYOPATHY 6 WITH OPHTHALMOPLEGIA; MYOPATHY WITH CONGENITAL JOINT CONTRACTURES, OPHTHALMOPLEGIA, AND RIMMED VACUOLES; INCLUSION BODY MYOPATHY 3, AUTOSOMAL DOMINANT. Identifiers: Orphanet 363677, Orphanet 79091, MedGen C1854106, MONDO:0011577, OMIM 605637.

gnomAD v4.1: 1 of 1,614,176 alleles (0.000062%); highest among the groups gnomAD compares: Admixed American, 0.0017%; no homozygotes.

Submission:

Labcorp Genetics (formerly Invitae), Labcorp
Classification: Uncertain significance for Myopathy, proximal, and ophthalmoplegia. Last evaluated: 2024-10-08. Review status: criteria provided, single submitter. Criteria: Invitae Variant Classification Sherloc (09022015). Collection method: clinical testing. Allele origin: germline.
Comment: This sequence change replaces glutamine, which is neutral and polar, with glutamic acid, which is acidic and polar, at codon 898 of the MYH2 protein (p.Gln898Glu). This variant is not present in population databases (gnomAD no frequency). This variant has not been reported in the literature in individuals affected with MYH2-related conditions. Invitae Evidence Modeling of protein sequence and biophysical properties (such as structural, functional, and spatial information, amino acid conservation, physicochemical variation, residue mobility, and thermodynamic stability) indicates that this missense variant is not expected to disrupt MYH2 protein function with a negative predictive value of 80%. In summary, the available evidence is currently insufficient to determine the role of this variant in disease. Therefore, it has been classified as a Variant of Uncertain Significance.